The following is an entry in ClinVar:

NM_003737.4(DCHS1):c.2293G>A (p.Gly765Arg)

Gene: DCHS1 (dachsous cadherin-related 1; minus strand). Cytogenetic location: 11p15.4.
Variant type: single nucleotide variant.
Coding change: c.2293G>A on transcript NM_003737.4 (MANE Select); coding-DNA position 2293, G replaced by A.
Protein change: p.Gly765Arg; replaces glycine 765 with arginine.
Molecular consequence: missense variant.
Genome position (GRCh38, 1-based): chr11:6,633,574, C>T on the plus strand (G>A on the coding strand, the complement: DCHS1 is on the minus strand). VCF-style: chr11-6633574-C-T. GRCh37 (hg19) VCF-style: chr11-6654805-C-T.
Other names: short protein forms G765R.
Identifiers: ClinVar variation 2066199 (VCV002066199.3), dbSNP rs1331876272, ClinGen allele CA379422541.
Genomic context (GRCh38, chr11:6,633,574, plus strand): 5'-GGGTTCCAGGCACAATGCTGATGTCCACTCGGGCACTGGGTTCTGCCTGTAGGCCACCTC[C>T]GTCCTCAGCCCCGATCTCCAGCTGCACCACAGAATTGGCCCGTCTGGCCAAGGGCCAGGC-3'
Protein context (NP_003728.1, residues 755-775): VVQLEIGAED[Gly765Arg]GGLQAEPSAR

ClinVar aggregate classification (germline): Uncertain significance (1 of 4 stars; one submission).

Allele frequency attached by ClinVar (database versions not stated): TOPMed 0.00004; gnomAD 0.00005.

Submission:

Labcorp Genetics (formerly Invitae), Labcorp
Classification: Uncertain significance. Last evaluated: 2025-08-31. Review status: criteria provided, single submitter. Criteria: Invitae Variant Classification Sherloc (09022015). Collection method: clinical testing. Allele origin: germline.
Comment: This sequence change replaces glycine, which is neutral and non-polar, with arginine, which is basic and polar, at codon 765 of the DCHS1 protein (p.Gly765Arg). This variant is present in population databases (no rsID available, gnomAD 0.004%). This variant has not been reported in the literature in individuals affected with DCHS1-related conditions. ClinVar contains an entry for this variant (Variation ID: 2066199). Invitae Evidence Modeling of protein sequence and biophysical properties (such as structural, functional, and spatial information, amino acid conservation, physicochemical variation, residue mobility, and thermodynamic stability) indicates that this missense variant is not expected to disrupt DCHS1 protein function with a negative predictive value of 80%. In summary, the available evidence is currently insufficient to determine the role of this variant in disease. Therefore, it has been classified as a Variant of Uncertain Significance.